The following is an entry in ClinVar:

NM_006322.6(TUBGCP3):c.1168+20C>T

Gene: TUBGCP3 (tubulin gamma complex component 3; minus strand). Cytogenetic location: 13q34.
Variant type: single nucleotide variant.
Coding change: c.1168+20C>T on transcript NM_006322.6 (MANE Select); 20 bases into the intron after coding-DNA position 1168, C replaced by T.
Molecular consequence: intron variant. On other transcripts: synonymous variant (1).
Genome position (GRCh38, 1-based): chr13:112,547,600, G>A on the plus strand (C>T on the coding strand, the complement: TUBGCP3 is on the minus strand). VCF-style: chr13-112547600-G-A. GRCh37 (hg19) VCF-style: chr13-113201914-G-A.
Other names: c.1188C>T, p.Pro396= (NM_001286279.2); c.1138+20C>T (NM_001286277.2); c.1168+20C>T (NM_001286278.2).
Identifiers: ClinVar variation 4872841 (VCV004872841.2).

ClinVar aggregate classification (germline): Likely benign (1 of 4 stars; one submission).

gnomAD v4.1: 342 of 1,481,326 alleles (0.023%); highest among the groups gnomAD compares: Non-Finnish European, 0.027%; no homozygotes.

Submission:

CeGaT Center for Human Genetics Tuebingen
Classification: Likely benign. Last evaluated: 2026-07-01. Review status: criteria provided, single submitter. Criteria: CeGaT Center For Human Genetics Tuebingen Variant Classification Criteria Version 2. Collection method: clinical testing. Allele origin: germline. Affected: yes. Observed: 1 variant allele.
Comment: TUBGCP3: BP4, BP7